The following is an entry in ClinVar:

ClinVar aggregate classification (germline): Uncertain significance (1 of 4 stars; one submission).

Allele frequency attached by ClinVar (database versions not stated): gnomAD 0.00001; TOPMed 0.00001.
gnomAD v4.1: 8 of 1,611,908 alleles (0.0005%); highest among the groups gnomAD compares: Non-Finnish European, 0.00068%; no homozygotes.

Submission:

Labcorp Genetics (formerly Invitae), Labcorp
Classification: Uncertain significance. Last evaluated: 2024-08-18. Review status: criteria provided, single submitter. Criteria: Invitae Variant Classification Sherloc (09022015). Collection method: clinical testing. Allele origin: germline.
Comment: This sequence change replaces glutamic acid, which is acidic and polar, with glutamine, which is neutral and polar, at codon 680 of the ZNF687 protein (p.Glu680Gln). This variant is present in population databases (no rsID available, gnomAD 0.0009%). This variant has not been reported in the literature in individuals affected with ZNF687-related conditions. An algorithm developed to predict the effect of missense changes on protein structure and function outputs the following: PolyPhen-2: "Benign". The glutamine amino acid residue is found in multiple mammalian species, which suggests that this missense change does not adversely affect protein function. In summary, the available evidence is currently insufficient to determine the role of this variant in disease. Therefore, it has been classified as a Variant of Uncertain Significance.

NM_020832.3(ZNF687):c.2038G>C (p.Glu680Gln)

Gene: ZNF687 (zinc finger protein 687; plus strand). Cytogenetic location: 1q21.3.
Variant type: single nucleotide variant.
Coding change: c.2038G>C on transcript NM_020832.3 (MANE Select); coding-DNA position 2038, G replaced by C.
Protein change: p.Glu680Gln; replaces glutamic acid 680 with glutamine.
Molecular consequence: missense variant.
Genome position (GRCh38, 1-based): chr1:151,288,329, G>C. VCF-style: chr1-151288329-G-C. GRCh37 (hg19) VCF-style: chr1-151260805-G-C.
Other names: c.2038G>C, p.Glu680Gln (NM_001304763.2, NM_001304764.2); short protein forms E680Q.
Identifiers: ClinVar variation 2965118 (VCV002965118.2), dbSNP rs1432596229, ClinGen allele CA341948934.